The following is an entry in ClinVar:

ClinVar aggregate classification (germline): Uncertain significance (1 of 4 stars; one submission).

Allele frequency attached by ClinVar (database versions not stated): gnomAD exomes 0.00002; ExAC 0.00004; TOPMed 0.00005; gnomAD 0.00007.
gnomAD v4.1: 38 of 1,591,316 alleles (0.0024%); highest among the groups gnomAD compares: African/African-American, 0.013%; no homozygotes.

Submission:

Labcorp Genetics (formerly Invitae), Labcorp
Classification: Uncertain significance. Last evaluated: 2025-06-11. Review status: criteria provided, single submitter. Criteria: Invitae Variant Classification Sherloc (09022015). Collection method: clinical testing. Allele origin: germline.
Comment: This sequence change replaces proline, which is neutral and non-polar, with leucine, which is neutral and non-polar, at codon 58 of the FGFRL1 protein (p.Pro58Leu). This variant is present in population databases (rs752311377, gnomAD 0.005%). This variant has not been reported in the literature in individuals affected with FGFRL1-related conditions. ClinVar contains an entry for this variant (Variation ID: 2173733). An algorithm developed to predict the effect of missense changes on protein structure and function (PolyPhen-2) suggests that this variant is likely to be disruptive. In summary, the available evidence is currently insufficient to determine the role of this variant in disease. Therefore, it has been classified as a Variant of Uncertain Significance.

NM_001004356.3(FGFRL1):c.173C>T (p.Pro58Leu)

Gene: FGFRL1 (fibroblast growth factor receptor like 1; plus strand). Cytogenetic location: 4p16.3.
Variant type: single nucleotide variant.
Coding change: c.173C>T on transcript NM_001004356.3 (MANE Select); coding-DNA position 173, C replaced by T.
Protein change: p.Pro58Leu; replaces proline 58 with leucine.
Molecular consequence: missense variant.
Genome position (GRCh38, 1-based): chr4:1,022,296, C>T. VCF-style: chr4-1022296-C-T. GRCh37 (hg19) VCF-style: chr4-1016084-C-T.
Other names: c.173C>T, p.Pro58Leu (NM_001004358.1, NM_001370296.1, NM_021923.3); short protein forms P58L.
Identifiers: ClinVar variation 2173733 (VCV002173733.4), dbSNP rs752311377, ClinGen allele CA2802597.
Genomic context (GRCh38, chr4:1,022,296, plus strand): 5'-GGCAGGTGGCCCGGCTGGGCCGCACTGTGCGGCTGCAGTGCCCAGTGGAGGGGGACCCGC[C>T]GCCGCTGACCATGTGGACCAAGGATGGCCGCACCATCCACAGCGGCTGGAGCCGCTTCCG-3'
Protein context (NP_001004356.1, residues 48-68): RLQCPVEGDP[Pro58Leu]PLTMWTKDGR